The following is an entry in ClinVar:

ClinVar aggregate classification (germline): Uncertain significance. Review status: criteria provided, multiple submitters, no conflicts (2 of 4 stars). 2 submissions from 2 submitters: Uncertain significance (2). Last evaluated 2025-01-16.

Conditions:
Inborn genetic diseases. Identifiers: MedGen C0950123, MeSH D030342.
Hereditary spastic paraplegia 30. Identifiers: Orphanet 101010, MedGen C5235139, MONDO:0012476.
Neuropathy, hereditary sensory, type 2C. Also called: Hereditary sensory and autonomic neuropathy type IIC; KIF1A-Related HSAN2 (HSAN2C). Identifiers: Orphanet 970, MedGen C3280168, MONDO:0013634, OMIM 614213.
Intellectual disability, autosomal dominant 9 (NESCAVS). Also called: NESCAV SYNDROME; KIF1A-Related Neurodevelopmental Disorder. Identifiers: Orphanet 662367, MedGen C5393830, MONDO:0013656, OMIM 614255.

Submissions (2):

Ambry Genetics
Classification: Uncertain significance for Inborn genetic diseases. Last evaluated: 2025-01-16. Review status: criteria provided, single submitter. Criteria: Ambry Variant Classification Scheme 2023. Collection method: clinical testing. Allele origin: germline.
Comment: The c.1411G>A (p.E471K) alteration is located in exon 16 (coding exon 15) of the KIF1A gene. This alteration results from a G to A substitution at nucleotide position 1411, causing the glutamic acid (E) at amino acid position 471 to be replaced by a lysine (K). This variant was not reported in population-based cohorts in the Genome Aggregation Database (gnomAD). This amino acid position is highly conserved in available vertebrate species. This missense alteration is located in a region that has a low rate of benign missense variation (Lek, 2016; Firth, 2009). The in silico prediction for this alteration is inconclusive. Based on insufficient or conflicting evidence, the clinical significance of this alteration remains unclear.

Labcorp Genetics (formerly Invitae), Labcorp
Classification: Uncertain significance for Hereditary spastic paraplegia 30; Neuropathy, hereditary sensory, type 2C; Intellectual disability, autosomal dominant 9. Last evaluated: 2022-03-20. Review status: criteria provided, single submitter. Criteria: Invitae Variant Classification Sherloc (09022015). Collection method: clinical testing. Allele origin: germline.
Comment: In summary, the available evidence is currently insufficient to determine the role of this variant in disease. Therefore, it has been classified as a Variant of Uncertain Significance. Algorithms developed to predict the effect of missense changes on protein structure and function are either unavailable or do not agree on the potential impact of this missense change (SIFT: "Tolerated"; PolyPhen-2: "Possibly Damaging"; Align-GVGD: "Class C0"). This variant has not been reported in the literature in individuals affected with KIF1A-related conditions. This variant is not present in population databases (gnomAD no frequency). This sequence change replaces glutamic acid, which is acidic and polar, with lysine, which is basic and polar, at codon 471 of the KIF1A protein (p.Glu471Lys).

NM_001244008.2(KIF1A):c.1438G>A (p.Glu480Lys)

Gene: KIF1A (kinesin family member 1A; minus strand). Cytogenetic location: 2q37.3.
Variant type: single nucleotide variant.
Coding change: c.1438G>A on transcript NM_001244008.2 (MANE Select); coding-DNA position 1438, G replaced by A.
Protein change: p.Glu480Lys; replaces glutamic acid 480 with lysine.
Molecular consequence: missense variant.
Genome position (GRCh38, 1-based): chr2:240,769,192, C>T on the plus strand (G>A on the coding strand, the complement: KIF1A is on the minus strand). VCF-style: chr2-240769192-C-T. GRCh37 (hg19) VCF-style: chr2-241708609-C-T.
Other names: c.1438G>A, p.Glu480Lys (NM_001320705.2, NM_001330289.2, NM_001379638.1); c.1513G>A, p.Glu505Lys (NM_001330290.2, NM_001379631.1, NM_001379634.1 and 2 more transcripts); c.1411G>A, p.Glu471Lys (NM_001379632.1, NM_001379633.1, NM_001379636.1 and 10 more transcripts); c.1486G>A, p.Glu496Lys (NM_001379637.1, NM_001379648.1); c.1411G>A (NM_004321.5); short protein forms E480K, E496K, E505K, E471K.
Identifiers: ClinVar variation 1394477 (VCV001394477.7), dbSNP rs2125937567, ClinGen allele CA351329597.
Genomic context (GRCh38, chr2:240,769,192, plus strand): 5'-CCTTTTTGGGAGAGAATACGCCCAAGGTGCCGCCATCCTCCCTCATGGCCACACCCATCT[C>T]GGCCAGCAGGGCTTCCCTGGGGGAACAGAGCTGAGGTCAGCACAAGCTCCACAAGGCTTC-3'
Protein context (NP_001230937.1, residues 470-490): IRMEREALLA[Glu480Lys]MGVAMREDGG